The following is an entry in ClinVar:

NM_004168.4(SDHA):c.16G>A (p.Gly6Ser)

Gene: SDHA (succinate dehydrogenase complex flavoprotein subunit A; plus strand). Cytogenetic location: 5p15.33.
Variant type: single nucleotide variant.
Coding change: c.16G>A on transcript NM_004168.4 (MANE Select); coding-DNA position 16, G replaced by A.
Protein change: p.Gly6Ser; replaces glycine 6 with serine.
Molecular consequence: missense variant.
Genome position (GRCh38, 1-based): chr5:218,371, G>A. VCF-style: chr5-218371-G-A. GRCh37 (hg19) VCF-style: chr5-218486-G-A.
Other names: c.16G>A, p.Gly6Ser (NM_001294332.2, NM_001330758.2); c.16G>A (NM_004168.2); short protein forms G6S.
Identifiers: ClinVar variation 948964 (VCV000948964.11), dbSNP rs1352756438, ClinGen allele CA359007280.
Genomic context (GRCh38, chr5:218,371, plus strand): 5'-AGTCTGCGCAGGGACTGGCGGGACTGCGCGGCGGCAACAGCAGACATGTCGGGGGTCCGG[G>A]GCCTGTCGCGGCTGCTGAGCGCTCGGCGCCTGGCGCTGGCCAAGGCGGTGAGTCCGTGCC-3'
Protein context (NP_004159.2, residues 1-16): MSGVR[Gly6Ser]LSRLLSARRL

ClinVar aggregate classification (germline): Conflicting classifications of pathogenicity. Review status: criteria provided, conflicting classifications (1 of 4 stars). 2 submissions from 2 submitters: Uncertain significance (1); Likely benign (1). Last evaluated 2026-01-14.

Conditions:
Hereditary cancer-predisposing syndrome. Also called: Hereditary Cancer Syndrome; Neoplastic Syndromes, Hereditary; Tumor predisposition; Hereditary neoplastic syndrome. Identifiers: Orphanet 140162, MedGen C0027672, MeSH D009386, MONDO:0015356.
Mitochondrial complex II deficiency, nuclear type 1. Also called: SUCCINATE CoQ REDUCTASE DEFICIENCY. Identifiers: Orphanet 3208, MedGen C5700310, MONDO:0100294, OMIM 252011.
Pheochromocytoma/paraganglioma syndrome 5. Also called: Paragangliomas 5; SDHA-Related Hereditary Paraganglioma-Pheochromocytoma Syndrome. Identifiers: Orphanet 29072, MedGen C3279992, MONDO:0013602, OMIM 614165.

Allele frequency attached by ClinVar (database versions not stated): gnomAD 0.00002.
gnomAD v4.1: 19 of 1,456,958 alleles (0.0013%); highest among the groups gnomAD compares: African/African-American, 0.0029%; no homozygotes.

Submissions (2):

Labcorp Genetics (formerly Invitae), Labcorp
Classification: Uncertain significance for Pheochromocytoma/paraganglioma syndrome 5; Mitochondrial complex II deficiency, nuclear type 1. Last evaluated: 2026-01-14. Review status: criteria provided, single submitter. Criteria: Invitae Variant Classification Sherloc (09022015). Collection method: clinical testing. Allele origin: germline.
Comment: This sequence change replaces glycine, which is neutral and non-polar, with serine, which is neutral and polar, at codon 6 of the SDHA protein (p.Gly6Ser). This variant is present in population databases (no rsID available, gnomAD 0.01%). This variant has not been reported in the literature in individuals affected with SDHA-related conditions. ClinVar contains an entry for this variant (Variation ID: 948964). Invitae Evidence Modeling of protein sequence and biophysical properties (such as structural, functional, and spatial information, amino acid conservation, physicochemical variation, residue mobility, and thermodynamic stability) indicates that this missense variant is not expected to disrupt SDHA protein function with a negative predictive value of 95%. In summary, the available evidence is currently insufficient to determine the role of this variant in disease. Therefore, it has been classified as a Variant of Uncertain Significance.

Ambry Genetics
Classification: Likely benign for Hereditary cancer-predisposing syndrome. Last evaluated: 2024-05-29. Review status: criteria provided, single submitter. Criteria: Ambry Variant Classification Scheme 2023. Collection method: clinical testing. Allele origin: germline.